The following is an entry in ClinVar:

NM_001267550.2(TTN):c.105253C>G (p.Gln35085Glu)

Genes: TTN (titin; minus strand), TTN-AS1 (TTN antisense RNA 1; plus strand). Cytogenetic location: 2q31.2.
Variant type: single nucleotide variant.
Coding change: c.105253C>G on transcript NM_001267550.2 (MANE Select); coding-DNA position 105253, C replaced by G.
Protein change: p.Gln35085Glu; replaces glutamine 35085 with glutamic acid.
Molecular consequence: missense variant.
Genome position (GRCh38, 1-based): chr2:178,531,362, G>C on the plus strand (C>G on the coding strand, the complement: TTN is on the minus strand). VCF-style: chr2-178531362-G-C. GRCh37 (hg19) VCF-style: chr2-179396089-G-C.
Other names: c.100330C>G, p.Gln33444Glu (NM_001256850.1); c.78058C>G, p.Gln26020Glu (NM_003319.4); c.97549C>G, p.Gln32517Glu (NM_133378.4); c.78433C>G, p.Gln26145Glu (NM_133432.3); c.78634C>G, p.Gln26212Glu (NM_133437.4); short protein forms Q26145E, Q26212E, Q35085E, Q26020E, Q32517E, Q33444E.
Identifiers: ClinVar variation 4788135 (VCV004788135.1).

ClinVar aggregate classification (germline): Uncertain significance (1 of 4 stars; one submission).

Conditions:
Autosomal recessive limb-girdle muscular dystrophy type 2J (LGMDR10). Also called: Limb-girdle muscular dystrophy, type 2J; MUSCULAR DYSTROPHY, LIMB-GIRDLE, AUTOSOMAL RECESSIVE 10. Identifiers: Orphanet 140922, MedGen C1837342, MONDO:0012127, OMIM 608807.
Dilated cardiomyopathy 1G (CMD1G). Identifiers: Orphanet 154, MedGen C1858763, MONDO:0011400, OMIM 604145.

gnomAD v4.1: 2 of 1,613,886 alleles (0.00012%); highest among the groups gnomAD compares: Non-Finnish European, 0.00017%; no homozygotes.

Submission:

Labcorp Genetics (formerly Invitae), Labcorp
Classification: Uncertain significance for Dilated cardiomyopathy 1G; Autosomal recessive limb-girdle muscular dystrophy type 2J. Last evaluated: 2025-12-22. Review status: criteria provided, single submitter. Criteria: Invitae Variant Classification Sherloc (09022015). Collection method: clinical testing. Allele origin: germline.
Comment: This sequence change replaces glutamine, which is neutral and polar, with glutamic acid, which is acidic and polar, at codon 35085 of the TTN protein (p.Gln35085Glu). This variant is not present in population databases (gnomAD no frequency). This variant has not been reported in the literature in individuals affected with TTN-related conditions. An algorithm developed to predict the effect of missense changes on protein structure and function outputs the following: PolyPhen-2: "Not Available". The glutamic acid amino acid residue is found in multiple mammalian species, which suggests that this missense change does not adversely affect protein function. This variant is located in the M band of TTN (PMID: 25589632). Non-truncating variants in this region may be relevant for neuromuscular disorders, but have not been definitively shown to cause cardiomyopathy (PMID: 23975875). In summary, the available evidence is currently insufficient to determine the role of this variant in disease. Therefore, it has been classified as a Variant of Uncertain Significance.

Literature cited by the submitters: PubMed 25589632; PubMed 23975875.